The following is an entry in ClinVar:

ClinVar aggregate classification (germline): Conflicting classifications of pathogenicity. Review status: criteria provided, conflicting classifications (1 of 4 stars). 5 submissions from 5 submitters: Uncertain significance (4); Likely benign (1). Last evaluated 2024-10-22.

Conditions:
Inborn genetic diseases. Identifiers: MedGen C0950123, MeSH D030342.

Allele frequency attached by ClinVar (database versions not stated): 1000 Genomes Project 0.00040; 1000 Genomes Project 30x 0.00047; ExAC 0.00060; gnomAD 0.00063 and 0.00066; gnomAD exomes 0.00071 and 0.00082; ESP Exome Variant Server 0.00077; TOPMed 0.00085.
gnomAD v4.1: 1,307 of 1,613,482 alleles (0.081%); highest among the groups gnomAD compares: Admixed American, 0.1%; 1 homozygote.

Submissions (5):

Blueprint Genetics
Classification: Likely benign. Last evaluated: 2024-10-22. Review status: criteria provided, single submitter. Criteria: ACMG Guidelines, 2015. Collection method: clinical testing. Allele origin: germline.

Labcorp Genetics (formerly Invitae), Labcorp
Classification: Uncertain significance. Last evaluated: 2022-10-24. Review status: criteria provided, single submitter. Criteria: Invitae Variant Classification Sherloc (09022015). Collection method: clinical testing. Allele origin: germline.
Comment: This sequence change replaces arginine, which is basic and polar, with glutamine, which is neutral and polar, at codon 276 of the ARHGEF18 protein (p.Arg276Gln). This variant is present in population databases (rs141430742, gnomAD 0.1%), and has an allele count higher than expected for a pathogenic variant. This variant has not been reported in the literature in individuals affected with ARHGEF18-related conditions. ClinVar contains an entry for this variant (Variation ID: 850825). Algorithms developed to predict the effect of missense changes on protein structure and function (SIFT, PolyPhen-2, Align-GVGD) all suggest that this variant is likely to be disruptive. In summary, the available evidence is currently insufficient to determine the role of this variant in disease. Therefore, it has been classified as a Variant of Uncertain Significance.

Ambry Genetics
Classification: Uncertain significance for Inborn genetic diseases. Last evaluated: 2021-07-09. Review status: criteria provided, single submitter. Criteria: Ambry Variant Classification Scheme 2023. Collection method: clinical testing. Allele origin: germline.

AiLife Diagnostics
Classification: Uncertain significance. Last evaluated: 2020-05-13. Review status: criteria provided, single submitter. Criteria: ACMG Guidelines, 2015. Collection method: clinical testing. Allele origin: germline. Affected: yes. Observed: 1 variant allele.

Breakthrough Genomics
Classification: Uncertain significance. Review status: criteria provided, single submitter. Criteria: ACMG Guidelines, 2015. Collection method: not provided. Allele origin: germline. Inheritance: Autosomal recessive inheritance. Affected: yes.

NM_001367823.1(ARHGEF18):c.1391G>A (p.Arg464Gln)

Gene: ARHGEF18 (Rho/Rac guanine nucleotide exchange factor 18; plus strand). Cytogenetic location: 19p13.2.
Variant type: single nucleotide variant.
Coding change: c.1391G>A on transcript NM_001367823.1 (MANE Select); coding-DNA position 1391, G replaced by A.
Protein change: p.Arg464Gln; replaces arginine 464 with glutamine.
Molecular consequence: missense variant.
Genome position (GRCh38, 1-based): chr19:7,444,234, G>A. VCF-style: chr19-7444234-G-A. GRCh37 (hg19) VCF-style: chr19-7509120-G-A.
Other names: c.665G>A, p.Arg222Gln (NM_001130955.2); c.353G>A, p.Arg118Gln (NM_001367824.1, NM_015318.4); short protein forms R464Q, R118Q, R222Q.
Identifiers: ClinVar variation 850825 (VCV000850825.9), dbSNP rs141430742, ClinGen allele CA9136467.